The following is an entry in ClinVar:

ClinVar aggregate classification (germline): Uncertain significance (1 of 4 stars; one submission).

Allele frequency attached by ClinVar (database versions not stated): TOPMed below 0.00001; gnomAD exomes 0.00003.
gnomAD v4.1: 22 of 1,614,122 alleles (0.0014%); highest among the groups gnomAD compares: Non-Finnish European, 0.0019%; no homozygotes.

Submission:

CeGaT Center for Human Genetics Tuebingen
Classification: Uncertain significance. Last evaluated: 2022-08-01. Review status: criteria provided, single submitter. Criteria: CeGaT Center For Human Genetics Tuebingen Variant Classification Criteria Version 2. Collection method: clinical testing. Allele origin: germline. Affected: yes. Observed: 1 variant allele.
Comment: ILK: PM2

NM_004517.4(ILK):c.887A>C (p.Lys296Thr)

Genes: ILK (integrin linked kinase; plus strand), TAF10 (TATA-box binding protein associated factor 10; minus strand). Cytogenetic location: 11p15.4.
Variant type: single nucleotide variant.
Coding change: c.887A>C on transcript NM_004517.4 (MANE Select); coding-DNA position 887, A replaced by C.
Protein change: p.Lys296Thr; replaces lysine 296 with threonine.
Molecular consequence: missense variant. On other transcripts: 3 prime UTR variant (1).
Genome position (GRCh38, 1-based): chr11:6,609,754, A>C. VCF-style: chr11-6609754-A-C. GRCh37 (hg19) VCF-style: chr11-6630985-A-C.
Other names: c.*1168T>G (NM_006284.4); c.887A>C, p.Lys296Thr (NM_001014794.3, NM_001014795.3); c.704A>C, p.Lys235Thr (NM_001278441.2); c.485A>C, p.Lys162Thr (NM_001278442.2); short protein forms K162T, K235T, K296T.
Identifiers: ClinVar variation 1711315 (VCV001711315.30), dbSNP rs1855312958, ClinGen allele CA379465401.